The following is an entry in ClinVar:

ClinVar aggregate classification (germline): Likely benign (0 of 4 stars; one submission).

Conditions:
BMP6-related disorder. Also called: BMP6-related condition.

Allele frequency attached by ClinVar (database versions not stated): gnomAD exomes below 0.00001; TOPMed below 0.00001; gnomAD 0.00001.
gnomAD v4.1: 7 of 1,613,976 alleles (0.00043%); highest among the groups gnomAD compares: Non-Finnish European, 0.00059%; no homozygotes.

Submission:

PreventionGenetics, part of Exact Sciences
Classification: Likely benign for BMP6-related condition. Last evaluated: 2019-04-02. Review status: no assertion criteria provided. Collection method: clinical testing. Allele origin: germline.
Comment: This variant is classified as likely benign based on ACMG/AMP sequence variant interpretation guidelines (Richards et al. 2015 PMID: 25741868, with internal and published modifications).

NM_001718.6(BMP6):c.1392+7T>G

Gene: BMP6 (bone morphogenetic protein 6; plus strand). Cytogenetic location: 6p24.3.
Variant type: single nucleotide variant.
Coding change: c.1392+7T>G on transcript NM_001718.6 (MANE Select); 7 bases into the intron after coding-DNA position 1392, T replaced by G.
Molecular consequence: intron variant.
Genome position (GRCh38, 1-based): chr6:7,880,108, T>G. VCF-style: chr6-7880108-T-G. GRCh37 (hg19) VCF-style: chr6-7880341-T-G.
Identifiers: ClinVar variation 3058673 (VCV003058673.2), dbSNP rs1581297817, ClinGen allele CA1085721774.